The following is an entry in ClinVar:

NM_000843.4(GRM6):c.2530C>A (p.Leu844Ile)

Genes: GRM6 (glutamate metabotropic receptor 6; minus strand), ZNF454 (zinc finger protein 454; plus strand). Cytogenetic location: 5q35.3.
Variant type: single nucleotide variant.
Coding change: c.2530C>A on transcript NM_000843.4 (MANE Select); coding-DNA position 2530, C replaced by A.
Protein change: p.Leu844Ile; replaces leucine 844 with isoleucine.
Molecular consequence: missense variant.
Genome position (GRCh38, 1-based): chr5:178,981,761, G>T on the plus strand (C>A on the coding strand, the complement: GRM6 is on the minus strand). VCF-style: chr5-178981761-G-T. GRCh37 (hg19) VCF-style: chr5-178408762-G-T.
Other names: short protein forms L844I.
Identifiers: ClinVar variation 1389504 (VCV001389504.6), dbSNP rs1760399415, ClinGen allele CA362423015.
Genomic context (GRCh38, chr5:178,981,761, plus strand): 5'-CCGTGGAGGTGGCCTTGAGGCTCCGCTTTCGCTTCTGCACATTCTGCTCTGGATGGAAGA[G>T]GATGACGTAGGTTTTGGGTACGTAGAGCATGCCGAGGGACACCGAGGCACTCAGGCTCAA-3'
Protein context (NP_000834.2, residues 834-854): MLYVPKTYVI[Leu844Ile]FHPEQNVQKR

ClinVar aggregate classification (germline): Uncertain significance (1 of 4 stars; one submission).

Submission:

Labcorp Genetics (formerly Invitae), Labcorp
Classification: Uncertain significance. Last evaluated: 2023-07-17. Review status: criteria provided, single submitter. Criteria: Invitae Variant Classification Sherloc (09022015). Collection method: clinical testing. Allele origin: germline.
Comment: This variant has not been reported in the literature in individuals affected with GRM6-related conditions. In summary, the available evidence is currently insufficient to determine the role of this variant in disease. Therefore, it has been classified as a Variant of Uncertain Significance. Advanced modeling of protein sequence and biophysical properties (such as structural, functional, and spatial information, amino acid conservation, physicochemical variation, residue mobility, and thermodynamic stability) performed at Invitae indicates that this missense variant is not expected to disrupt GRM6 protein function. ClinVar contains an entry for this variant (Variation ID: 1389504). This variant is not present in population databases (gnomAD no frequency). This sequence change replaces leucine, which is neutral and non-polar, with isoleucine, which is neutral and non-polar, at codon 844 of the GRM6 protein (p.Leu844Ile).